The following is an entry in ClinVar:

ClinVar aggregate classification (germline): Likely benign (1 of 4 stars; one submission).

gnomAD v4.1: 298 of 1,606,462 alleles (0.019%); highest among the groups gnomAD compares: African/African-American, 0.37%; 2 homozygotes.

Submission:

Mayo Clinic Laboratories, Mayo Clinic
Classification: Likely benign. Last evaluated: 2025-04-09. Review status: criteria provided, single submitter. Criteria: ACMG Guidelines, 2015. Collection method: clinical testing. Allele origin: germline. Observed: 4 variant alleles.
Comment: BP4, BP7

NM_000298.6(PKLR):c.283+24G>A

Gene: PKLR (pyruvate kinase L/R; minus strand). Cytogenetic location: 1q22.
Variant type: single nucleotide variant.
Coding change: c.283+24G>A on transcript NM_000298.6 (MANE Select); 24 bases into the intron after coding-DNA position 283, G replaced by A.
Molecular consequence: intron variant.
Genome position (GRCh38, 1-based): chr1:155,300,074, C>T on the plus strand (G>A on the coding strand, the complement: PKLR is on the minus strand). VCF-style: chr1-155300074-C-T. GRCh37 (hg19) VCF-style: chr1-155269865-C-T.
Other names: p.?; c.190+24G>A (NM_181871.4).
Identifiers: ClinVar variation 4683507 (VCV004683507.1).